The following is an entry in ClinVar:

ClinVar aggregate classification (germline): Uncertain significance (1 of 4 stars; one submission).

Allele frequency attached by ClinVar (database versions not stated): ExAC 0.00003; gnomAD exomes 0.00003; gnomAD 0.00004; TOPMed 0.00004; 1000 Genomes Project 30x 0.00016; 1000 Genomes Project 0.00020; ESP Exome Variant Server 0.00023.
gnomAD v4.1: 53 of 1,614,126 alleles (0.0033%); highest among the groups gnomAD compares: African/African-American, 0.0067%; no homozygotes.

Submission:

Labcorp Genetics (formerly Invitae), Labcorp
Classification: Uncertain significance. Last evaluated: 2022-09-14. Review status: criteria provided, single submitter. Criteria: Invitae Variant Classification Sherloc (09022015). Collection method: clinical testing. Allele origin: germline.
Comment: In summary, the available evidence is currently insufficient to determine the role of this variant in disease. Therefore, it has been classified as a Variant of Uncertain Significance. Algorithms developed to predict the effect of missense changes on protein structure and function are either unavailable or do not agree on the potential impact of this missense change (SIFT: "Deleterious"; PolyPhen-2: "Possibly Damaging"; Align-GVGD: "Class C0"). This variant has not been reported in the literature in individuals affected with TNS2-related conditions. This variant is present in population databases (rs149747461, gnomAD 0.01%). This sequence change replaces arginine, which is basic and polar, with tryptophan, which is neutral and slightly polar, at codon 384 of the TNS2 protein (p.Arg384Trp).

NM_170754.4(TNS2):c.1120C>T (p.Arg374Trp)

Gene: TNS2 (tensin 2; plus strand). Cytogenetic location: 12q13.13.
Variant type: single nucleotide variant.
Coding change: c.1120C>T on transcript NM_170754.4 (MANE Select); coding-DNA position 1120, C replaced by T.
Protein change: p.Arg374Trp; replaces arginine 374 with tryptophan.
Molecular consequence: missense variant.
Genome position (GRCh38, 1-based): chr12:53,058,340, C>T. VCF-style: chr12-53058340-C-T. GRCh37 (hg19) VCF-style: chr12-53452124-C-T.
Other names: c.1120C>T, p.Arg374Trp (NM_001416202.1, NM_001416204.1); c.1051C>T, p.Arg351Trp (NM_001416203.1, NM_015319.3); c.748C>T, p.Arg250Trp (NM_198316.2); short protein forms R374W, R250W, R384W, R351W.
Identifiers: ClinVar variation 2094003 (VCV002094003.4), dbSNP rs149747461, ClinGen allele CA6592213.